The following is an entry in ClinVar:

ClinVar aggregate classification (germline): Pathogenic (1 of 4 stars; one submission).

Conditions:
DeSanto-Shinawi syndrome due to WAC point mutation (DESSH). Also called: WAC-Related Intellectual Disability; DEVELOPMENTAL DELAY, BEHAVIORAL ABNORMALITIES, FACIAL DYSMORPHISM, AND OCULAR ABNORMALITIES; Facial dysmorphism-developmental delay-behavioral abnormalities syndrome due to WAC point mutation. Identifiers: Orphanet 284169, Orphanet 466950, MedGen C5681129, MONDO:0014741, OMIM 616708.

Submission:

Juno Genomics, Hangzhou Juno Genomics, Inc
Classification: Pathogenic for DeSanto-Shinawi syndrome due to WAC point mutation. Review status: criteria provided, single submitter. Criteria: ACMG Guidelines, 2015. Collection method: clinical testing. Allele origin: germline. Affected: yes.
Comment: Absent from controls (or at extremely low frequency if recessive) in Genome Aggregation Database, Exome Sequencing Project, 1000 Genomes Project, or Exome Aggregation Consortium.;Null variant in a gene where loss of function (LOF) is a known mechanism of disease.;De novo (both maternity and paternity confirmed) in a patient with the disease and no family history.

NM_016628.5(WAC):c.592delinsTG (p.Ser198fs)

Gene: WAC (WW domain containing adaptor with coiled-coil; plus strand). Cytogenetic location: 10p12.1.
Variant type: Indel.
Coding change: c.592delinsTG on transcript NM_016628.5 (MANE Select); coding-DNA position 592, A replaced by TG.
Protein change: p.Ser198fs; shifts the reading frame from serine 198.
Molecular consequence: frameshift variant.
Genome position (GRCh38, 1-based): chr10:28,590,814, A replaced by TG. VCF-style: chr10-28590814-A-TG. GRCh37 (hg19) VCF-style: chr10-28879743-A-TG.
Other names: c.457delinsTG, p.Ser153fs (NM_100264.3); c.592delinsTG, p.Ser198fs (NM_100486.4); short protein forms S153fs, S198fs.
Identifiers: ClinVar variation 3382772 (VCV003382772.2).
Genomic context (GRCh38, chr10:28,590,814, plus strand): 5'-GTCAACAGCTTCCCAAAAGATAGGGATTACAGAAGAGAGGTGATGCAAGCAACAGCCACT[A>TG]GTGGGTTTGCCAGTGGAAGTAAGTATTAATTTTTTTTCTTTGAAATGTATGTTTGACTTA-3'